The following is an entry in ClinVar:

ClinVar aggregate classification (germline): Conflicting classifications of pathogenicity. Review status: criteria provided, conflicting classifications (1 of 4 stars). 3 submissions from 3 submitters: Uncertain significance (2); Likely benign (1). Last evaluated 2025-12-23.

Conditions:
Renal cell carcinoma. Identifiers: Orphanet 217071, MedGen C0007134, MeSH D002292, MONDO:0005086, HP:0005584.
Hereditary cancer-predisposing syndrome. Also called: Hereditary Cancer Syndrome; Hereditary neoplastic syndrome; Neoplastic Syndromes, Hereditary; Tumor predisposition. Identifiers: Orphanet 140162, MedGen C0027672, MeSH D009386, MONDO:0015356.

Submissions (3):

Labcorp Genetics (formerly Invitae), Labcorp
Classification: Uncertain significance for Renal cell carcinoma. Last evaluated: 2025-12-23. Review status: criteria provided, single submitter. Criteria: Invitae Variant Classification Sherloc (09022015). Collection method: clinical testing. Allele origin: germline.
Comment: This sequence change replaces asparagine, which is neutral and polar, with lysine, which is basic and polar, at codon 38 of the MET protein (p.Asn38Lys). This variant is not present in population databases (gnomAD no frequency). This variant has not been reported in the literature in individuals affected with MET-related conditions. ClinVar contains an entry for this variant (Variation ID: 216497). Invitae Evidence Modeling of protein sequence and biophysical properties (such as structural, functional, and spatial information, amino acid conservation, physicochemical variation, residue mobility, and thermodynamic stability) indicates that this missense variant is not expected to disrupt MET protein function with a negative predictive value of 80%. In summary, the available evidence is currently insufficient to determine the role of this variant in disease. Therefore, it has been classified as a Variant of Uncertain Significance.

GeneDx
Classification: Uncertain significance. Last evaluated: 2024-08-11. Review status: criteria provided, single submitter. Criteria: GeneDx Variant Classification Process June 2021. Collection method: clinical testing. Allele origin: germline. Affected: yes.
Comment: Not observed at significant frequency in large population cohorts (gnomAD); In silico analysis indicates that this missense variant does not alter protein structure/function; Has not been previously published as pathogenic or benign to our knowledge

Ambry Genetics
Classification: Likely benign for Hereditary cancer-predisposing syndrome. Last evaluated: 2024-01-30. Review status: criteria provided, single submitter. Criteria: Ambry Variant Classification Scheme 2023. Collection method: clinical testing. Allele origin: germline.

NM_000245.4(MET):c.114T>A (p.Asn38Lys)

Gene: MET (MET proto-oncogene, receptor tyrosine kinase; plus strand). Cytogenetic location: 7q31.2.
Variant type: single nucleotide variant.
Coding change: c.114T>A on transcript NM_000245.4 (MANE Select); coding-DNA position 114, T replaced by A.
Protein change: p.Asn38Lys; replaces asparagine 38 with lysine.
Molecular consequence: missense variant. On other transcripts: intron variant (1).
Genome position (GRCh38, 1-based): chr7:116,699,198, T>A. VCF-style: chr7-116699198-T-A. GRCh37 (hg19) VCF-style: chr7-116339252-T-A.
Other names: c.114T>A, p.Asn38Lys (NM_001127500.3, NM_001324401.3); c.-91+26621T>A (NM_001324402.2); short protein forms N38K.
Identifiers: ClinVar variation 216497 (VCV000216497.15), dbSNP rs863224693, ClinGen allele CA336206.